The following is an entry in ClinVar:

NM_006545.5(NPRL2):c.446T>C (p.Ile149Thr)

Gene: NPRL2 (NPR2 like, GATOR1 complex subunit; minus strand). Cytogenetic location: 3p21.31.
Variant type: single nucleotide variant.
Coding change: c.446T>C on transcript NM_006545.5 (MANE Select); coding-DNA position 446, T replaced by C.
Protein change: p.Ile149Thr; replaces isoleucine 149 with threonine.
Molecular consequence: missense variant.
Genome position (GRCh38, 1-based): chr3:50,349,388, A>G on the plus strand (T>C on the coding strand, the complement: NPRL2 is on the minus strand). VCF-style: chr3-50349388-A-G. GRCh37 (hg19) VCF-style: chr3-50386819-A-G.
Other names: short protein forms I149T.
Identifiers: ClinVar variation 1313372 (VCV001313372.4), dbSNP rs1022386642, ClinGen allele CA74640394.

ClinVar aggregate classification (germline): Uncertain significance. Review status: criteria provided, multiple submitters, no conflicts (2 of 4 stars). 2 submissions from 2 submitters: Uncertain significance (2). Last evaluated 2026-04-01.

Allele frequency attached by ClinVar (database versions not stated): gnomAD exomes below 0.00001 and 0.00001; gnomAD 0.00001; TOPMed 0.00002.
gnomAD v4.1: 3 of 1,612,900 alleles (0.00019%); highest among the groups gnomAD compares: African/African-American, 0.0027%; no homozygotes.

Submissions (2):

CeGaT Center for Human Genetics Tuebingen
Classification: Uncertain significance. Last evaluated: 2026-04-01. Review status: criteria provided, single submitter. Criteria: CeGaT Center For Human Genetics Tuebingen Variant Classification Criteria Version 2. Collection method: clinical testing. Allele origin: germline. Affected: yes. Observed: 1 variant allele.

GeneDx
Classification: Uncertain significance. Last evaluated: 2020-10-22. Review status: criteria provided, single submitter. Criteria: GeneDx Variant Classification Process June 2021. Collection method: clinical testing. Allele origin: germline. Affected: yes.
Comment: Has not been previously published as pathogenic or benign to our knowledge; In silico analysis supports that this missense variant has a deleterious effect on protein structure/function